The following is an entry in ClinVar:

ClinVar aggregate classification (germline): Uncertain significance (1 of 4 stars; one submission).

Conditions:
Inborn genetic diseases. Identifiers: MedGen C0950123, MeSH D030342.

Submission:

Ambry Genetics
Classification: Uncertain significance for Inborn genetic diseases. Last evaluated: 2025-09-04. Review status: criteria provided, single submitter. Criteria: Ambry Variant Classification Scheme 2023. Collection method: clinical testing. Allele origin: germline.
Comment: The c.1090G>T (p.D364Y) alteration is located in exon 12 (coding exon 8) of the SYT1 gene. This alteration results from a G to T substitution at nucleotide position 1090, causing the aspartic acid (D) at amino acid position 364 to be replaced by a tyrosine (Y). This variant was not reported in population-based cohorts in the Genome Aggregation Database (gnomAD). This amino acid position is highly conserved in available vertebrate species. This missense alteration is located in a region that has a low rate of benign missense variation (Lek, 2016; Firth, 2009). This alteration is predicted to be deleterious by in silico analysis. Based on insufficient or conflicting evidence, the clinical significance of this alteration remains unclear.

NM_005639.3(SYT1):c.1090G>T (p.Asp364Tyr)

Gene: SYT1 (synaptotagmin 1; plus strand). Cytogenetic location: 12q21.2.
Variant type: single nucleotide variant.
Coding change: c.1090G>T on transcript NM_005639.3 (MANE Select); coding-DNA position 1090, G replaced by T.
Protein change: p.Asp364Tyr; replaces aspartic acid 364 with tyrosine.
Molecular consequence: missense variant.
Genome position (GRCh38, 1-based): chr12:79,448,945, G>T. VCF-style: chr12-79448945-G-T. GRCh37 (hg19) VCF-style: chr12-79842725-G-T.
Other names: c.1090G>T, p.Asp364Tyr (NM_001135805.2, NM_001135806.2, NM_001415938.1 and 2 more transcripts); c.1081G>T, p.Asp361Tyr (NM_001291901.2, NM_001415941.1, NM_001415942.1 and 1 more transcripts); short protein forms D361Y, D364Y.
Identifiers: ClinVar variation 4178854 (VCV004178854.1).